The following is an entry in ClinVar:

NM_001267550.2(TTN):c.8164C>A (p.Gln2722Lys)

Gene: TTN (titin; minus strand). Cytogenetic location: 2q31.2.
Variant type: single nucleotide variant.
Coding change: c.8164C>A on transcript NM_001267550.2 (MANE Select); coding-DNA position 8164, C replaced by A.
Protein change: p.Gln2722Lys; replaces glutamine 2722 with lysine.
Molecular consequence: missense variant.
Genome position (GRCh38, 1-based): chr2:178,770,628, G>T on the plus strand (C>A on the coding strand, the complement: TTN is on the minus strand). VCF-style: chr2-178770628-G-T. GRCh37 (hg19) VCF-style: chr2-179635355-G-T.
Other names: p.Gln2722Lys; c.8164C>A, p.Gln2722Lys (NM_001256850.1, NM_133378.4, NM_133379.5); c.8026C>A, p.Gln2676Lys (NM_003319.4, NM_133432.3, NM_133437.4); short protein forms Q2676K, Q2722K.
Identifiers: ClinVar variation 4540768 (VCV004540768.1).

ClinVar aggregate classification (germline): Uncertain significance (1 of 4 stars; one submission).

gnomAD v4.1: 1 of 1,613,948 alleles (0.000062%); highest among the groups gnomAD compares: Non-Finnish European, 0.000085%; no homozygotes.

Submission:

Mayo Clinic Laboratories, Mayo Clinic
Classification: Uncertain significance. Last evaluated: 2025-11-14. Review status: criteria provided, single submitter. Criteria: ACMG Guidelines, 2015. Collection method: clinical testing. Allele origin: germline. Observed: 2 variant alleles.
Comment: PP3, PM2_supporting